The following is an entry in ClinVar:

NM_002878.4(RAD51D):c.785C>T (p.Pro262Leu)

Genes: RAD51D (RAD51 paralog D; minus strand), RAD51L3-RFFL (RAD51L3-RFFL readthrough; minus strand). Cytogenetic location: 17q12.
Variant type: single nucleotide variant.
Coding change: c.785C>T on transcript NM_002878.4 (MANE Select); coding-DNA position 785, C replaced by T.
Protein change: p.Pro262Leu; replaces proline 262 with leucine.
Molecular consequence: missense variant. On other transcripts: non-coding transcript variant (3).
Genome position (GRCh38, 1-based): chr17:35,101,319, G>A on the plus strand (C>T on the coding strand, the complement: RAD51D is on the minus strand). VCF-style: chr17-35101319-G-A. GRCh37 (hg19) VCF-style: chr17-33428338-G-A.
Other names: p.P262L:CCT>CTT; c.845C>T, p.Pro282Leu (NM_001142571.2); c.449C>T, p.Pro150Leu (NM_133629.3); short protein forms P262L, P282L, P150L.
Identifiers: ClinVar variation 182863 (VCV000182863.17), dbSNP rs730881950, ClinGen allele CA299945.

ClinVar aggregate classification (germline): Uncertain significance. Review status: criteria provided, multiple submitters, no conflicts (2 of 4 stars). 8 submissions from 8 submitters: Uncertain significance (7). 1 of the submissions does not count toward it. Last evaluated 2025-08-11.

Conditions:
RAD51D-related disorder. Also called: RAD51D-related condition.
Hereditary cancer-predisposing syndrome. Also called: Neoplastic Syndromes, Hereditary; Tumor predisposition; Hereditary neoplastic syndrome; Hereditary Cancer Syndrome. Identifiers: Orphanet 140162, MedGen C0027672, MeSH D009386, MONDO:0015356.
Hereditary breast ovarian cancer syndrome. Also called: Hereditary breast and/or ovarian cancer syndrome; Hereditary breast and ovarian cancer syndrome; Hereditary breast and ovarian cancer; Hereditary breast and ovarian cancer syndrome (HBOC); Breast and ovarian cancer; BRCA1- and BRCA2-Associated Hereditary Breast and Ovarian Cancer. Identifiers: Orphanet 145, MedGen C0677776, MeSH D061325, MONDO:0003582. Disease mechanism: loss of function.
Breast-ovarian cancer, familial, susceptibility to, 4. Identifiers: Orphanet 145, MedGen C3280345, MONDO:0013669, OMIM 614291.

Allele frequency attached by ClinVar (database versions not stated): gnomAD exomes below 0.00001 and 0.00001; TOPMed below 0.00001.
gnomAD v4.1: 9 of 1,614,168 alleles (0.00056%); highest among the groups gnomAD compares: Non-Finnish European, 0.00076%; no homozygotes.

Submissions (8):

Color Diagnostics, LLC DBA Color Health
Classification: Uncertain significance for Hereditary cancer-predisposing syndrome. Last evaluated: 2025-08-11. Review status: criteria provided, single submitter. Criteria: ACMG Guidelines, 2015. Collection method: clinical testing. Allele origin: germline.
Comment: This missense variant replaces proline with leucine at codon 262 of the RAD51D protein. Computational prediction is inconclusive regarding the impact of this variant on protein structure and function. To our knowledge, functional studies have not been reported for this variant. This variant has been reported in individuals affected with ovarian cancer (PMID: 26261251) and breast cancer (PMID: 29522266). This variant has been identified in 1/251426 chromosomes in the general population by the Genome Aggregation Database (gnomAD). The available evidence is insufficient to determine the role of this variant in disease conclusively. Therefore, this variant is classified as a Variant of Uncertain Significance.

Labcorp Genetics (formerly Invitae), Labcorp
Classification: Uncertain significance for Breast-ovarian cancer, familial, susceptibility to, 4. Last evaluated: 2025-05-13. Review status: criteria provided, single submitter. Criteria: Invitae Variant Classification Sherloc (09022015). Collection method: clinical testing. Allele origin: germline.
Comment: This sequence change replaces proline, which is neutral and non-polar, with leucine, which is neutral and non-polar, at codon 262 of the RAD51D protein (p.Pro262Leu). This variant is present in population databases (rs730881950, gnomAD 0.0009%). This missense change has been observed in individual(s) with ovarian cancer (PMID: 26261251). ClinVar contains an entry for this variant (Variation ID: 182863). Invitae Evidence Modeling of protein sequence and biophysical properties (such as structural, functional, and spatial information, amino acid conservation, physicochemical variation, residue mobility, and thermodynamic stability) has been performed for this missense variant. However, the output from this modeling did not meet the statistical confidence thresholds required to predict the impact of this variant on RAD51D protein function. In summary, the available evidence is currently insufficient to determine the role of this variant in disease. Therefore, it has been classified as a Variant of Uncertain Significance.

PreventionGenetics, part of Exact Sciences
Classification: Uncertain significance for RAD51D-related condition. Last evaluated: 2025-02-08. Review status: criteria provided, single submitter. Criteria: ACMG Guidelines, 2015. Collection method: clinical testing. Allele origin: germline.
Comment: The RAD51D c.785C>T variant is predicted to result in the amino acid substitution p.Pro262Leu. This variant was reported in an individual with ovarian cancer (Song et al. 2015. PubMed ID: 26261251) and an individual with breast cancer (Hauke et al. 2018. PubMed ID: 29522266). This variant is reported in 0.00088% of alleles in individuals of European (Non-Finnish) descent in gnomAD. This variant is interpreted as uncertain in ClinVar. At this time, the clinical significance of this variant is uncertain due to the absence of conclusive functional and genetic evidence.

Ambry Genetics
Classification: Uncertain significance for Hereditary cancer-predisposing syndrome. Last evaluated: 2025-01-19. Review status: criteria provided, single submitter. Criteria: Ambry Variant Classification Scheme 2023. Collection method: clinical testing. Allele origin: germline.
Comment: The p.P262L variant (also known as c.785C>T), located in coding exon 9 of the RAD51D gene, results from a C to T substitution at nucleotide position 785. The proline at codon 262 is replaced by leucine, an amino acid with similar properties. This alteration has been reported in a cohort of 3,429 patients with invasive epithelial ovarian cancer (Song H et al. J. Clin. Oncol. 2015 Sep;33:2901-7) and detected in 1/5589 German BRCA1/2-negative probands with breast cancer (Hauke J et al. Cancer Med, 2018 04;7:1349-1358). This amino acid position is highly conserved in available vertebrate species. In addition, the in silico prediction for this alteration is inconclusive. Based on the available evidence, the clinical significance of this variant remains unclear.

Institute for Biomarker Research, Medical Diagnostic Laboratories, L.L.C.
Classification: Uncertain significance for Hereditary breast ovarian cancer syndrome. Last evaluated: 2023-04-11. Review status: criteria provided, single submitter. Criteria: ACMG Guidelines, 2015. Collection method: clinical testing. Allele origin: germline.

Myriad Genetics, Inc.
Classification: Uncertain significance for Breast-ovarian cancer, familial, susceptibility to, 4. Last evaluated: 2023-04-06. Review status: criteria provided, single submitter. Criteria: Myriad Autosomal Dominant, Autosomal Recessive and X-Linked Classification Criteria (2023). Collection method: clinical testing. Allele origin: unknown.
Comment: This variant is classified as a variant of uncertain significance as there is insufficient evidence to determine its impact on protein function and/or cancer risk.

GeneDx
Classification: Uncertain significance. Last evaluated: 2017-10-05. Review status: criteria provided, single submitter. Criteria: GeneDx Variant Classification (06012015). Collection method: clinical testing. Allele origin: germline. Affected: yes.
Comment: This variant is denoted RAD51D c.785C>T at the cDNA level, p.Pro262Leu (P262L) at the protein level, and results in the change of a Proline to a Leucine (CCT>CTT). This variant has been identified in at least one ovarian cancer patient (Song 2015). RAD51D Pro262Leu was not observed at a significant allele frequency in large population cohorts (Lek 2016). Since Proline and Leucine differ in some properties, this is considered a semi-conservative amino acid substitution. RAD51D Pro262Leu occurs at a position that is conserved across species and is located within the RAD51C binding domain (Miller 2004). In silico analyses predict that this variant is probably damaging to protein structure and function. Based on currently available information, it is unclear whether RAD51D Pro262Leu is pathogenic or benign. We consider it to be a variant of uncertain significance.

Counsyl
Classification: Uncertain significance for Breast-ovarian cancer, familial, susceptibility to, 4. Last evaluated: 2018-01-11. Review status: no assertion criteria provided. Collection method: clinical testing. Allele origin: unknown. Not counted in ClinVar's aggregate classification.

Literature cited by the submitters: PubMed 26261251 (cited by 4 submitters); PubMed 29522266 (cited by Color Diagnostics, LLC DBA Color Health and Ambry Genetics).